The following is an entry in ClinVar:

NM_001378743.1(CYLD):c.494T>C (p.Val165Ala)

Gene: CYLD (CYLD lysine 63 deubiquitinase; plus strand). Cytogenetic location: 16q12.1.
Variant type: single nucleotide variant.
Coding change: c.494T>C on transcript NM_001378743.1 (MANE Select); coding-DNA position 494, T replaced by C.
Protein change: p.Val165Ala; replaces valine 165 with alanine.
Molecular consequence: missense variant. On other transcripts: 5 prime UTR variant (2), non-coding transcript variant (1).
Genome position (GRCh38, 1-based): chr16:50,750,192, T>C. VCF-style: chr16-50750192-T-C. GRCh37 (hg19) VCF-style: chr16-50784103-T-C.
Other names: c.494T>C, p.Val165Ala (NM_001042355.2, NM_001042412.3, NM_001378744.1 and 10 more transcripts); c.-169T>C (NM_001378754.1, NM_001378755.1); short protein forms V165A.
Identifiers: ClinVar variation 4883296 (VCV004883296.2).

ClinVar aggregate classification (germline): Uncertain significance (1 of 4 stars; one submission).

Submission:

Dasa
Classification: Uncertain significance. Last evaluated: 2025-12-26. Review status: criteria provided, single submitter. Criteria: DASA Assertion Criteria. Collection method: clinical testing. Allele origin: germline.
Comment: NM_001378743.1(CYLD):c.494T>C (p.Val165Ala) is a missense variant that results in the substitution of valine with alanine. This variant is absent from population databases. Computational prediction algorithms are consistent with a deleterious effect. The currently available literature and clinical evidence are not sufficient to establish a definitive association between this variant and the reported condition. Therefore, this variant is classified as a variant of uncertain significance.